The following is an entry in ClinVar:

ClinVar aggregate classification (germline): Likely pathogenic (1 of 4 stars; one submission).

Submission:

Labcorp Genetics (formerly Invitae), Labcorp
Classification: Likely pathogenic. Last evaluated: 2023-11-17. Review status: criteria provided, single submitter. Criteria: Invitae Variant Classification Sherloc (09022015). Collection method: clinical testing. Allele origin: germline.
Comment: This sequence change affects a donor splice site in intron 3 of the ITGA6 gene. It is expected to disrupt RNA splicing. Variants that disrupt the donor or acceptor splice site typically lead to a loss of protein function (PMID: 16199547), and loss-of-function variants in ITGA6 are known to be pathogenic (PMID: 9158140, 9185503, 9804362, 27607025). This variant is not present in population databases (gnomAD no frequency). This variant has not been reported in the literature in individuals affected with ITGA6-related conditions. Algorithms developed to predict the effect of sequence changes on RNA splicing suggest that this variant may disrupt the consensus splice site. In summary, the currently available evidence indicates that the variant is pathogenic, but additional data are needed to prove that conclusively. Therefore, this variant has been classified as Likely Pathogenic.

Literature cited by the submitters: PubMed 16199547; PubMed 9158140; PubMed 9185503; PubMed 9804362; PubMed 27607025.

NM_000210.4(ITGA6):c.387+1G>A

Genes: ITGA6 (integrin subunit alpha 6; plus strand), PDK1-AS1 (PDK1 and ITGA6 antisense RNA 1; minus strand). Cytogenetic location: 2q31.1.
Variant type: single nucleotide variant.
Coding change: c.387+1G>A on transcript NM_000210.4 (MANE Select); the canonical splice donor site of the intron after coding-DNA position 387, G replaced by A.
Molecular consequence: splice donor variant.
Genome position (GRCh38, 1-based): chr2:172,467,561, G>A. VCF-style: chr2-172467561-G-A. GRCh37 (hg19) VCF-style: chr2-173332289-G-A.
Other names: c.45+1G>A (NM_001316306.2); c.387+1G>A (NM_001394928.1, NM_001079818.3, NM_001365530.2 and 1 more transcripts).
Identifiers: ClinVar variation 2696567 (VCV002696567.3), dbSNP rs2468291355, ClinGen allele CA349301775.